The following is an entry in ClinVar:

NM_175875.5(SIX5):c.1910C>G (p.Ser637Cys)

Gene: SIX5 (SIX homeobox 5; minus strand). Cytogenetic location: 19q13.32.
Variant type: single nucleotide variant.
Coding change: c.1910C>G on transcript NM_175875.5 (MANE Select); coding-DNA position 1910, C replaced by G.
Protein change: p.Ser637Cys; replaces serine 637 with cysteine.
Molecular consequence: missense variant.
Genome position (GRCh38, 1-based): chr19:45,765,811, G>C on the plus strand (C>G on the coding strand, the complement: SIX5 is on the minus strand). VCF-style: chr19-45765811-G-C. GRCh37 (hg19) VCF-style: chr19-46269069-G-C.
Other names: short protein forms S637C.
Identifiers: ClinVar variation 2075485 (VCV002075485.4), dbSNP rs891017241, ClinGen allele CA9520483.

ClinVar aggregate classification (germline): Uncertain significance (1 of 4 stars; one submission).

Allele frequency attached by ClinVar (database versions not stated): TOPMed 0.00002.
gnomAD v4.1: 29 of 1,603,802 alleles (0.0018%); highest among the groups gnomAD compares: Non-Finnish European, 0.0025%; no homozygotes.

Submission:

Labcorp Genetics (formerly Invitae), Labcorp
Classification: Uncertain significance. Last evaluated: 2022-02-07. Review status: criteria provided, single submitter. Criteria: Invitae Variant Classification Sherloc (09022015). Collection method: clinical testing. Allele origin: germline.
Comment: In summary, the available evidence is currently insufficient to determine the role of this variant in disease. Therefore, it has been classified as a Variant of Uncertain Significance. Algorithms developed to predict the effect of missense changes on protein structure and function are either unavailable or do not agree on the potential impact of this missense change (SIFT: "Deleterious"; PolyPhen-2: "Possibly Damaging"; Align-GVGD: "Class C0"). This variant has not been reported in the literature in individuals affected with SIX5-related conditions. This variant is present in population databases (no rsID available, gnomAD 0.003%). This sequence change replaces serine, which is neutral and polar, with cysteine, which is neutral and slightly polar, at codon 637 of the SIX5 protein (p.Ser637Cys).